The following is an entry in ClinVar:

NM_000197.1(HSD17B3):c.194C>T

Genes: HSD17B3 (hydroxysteroid 17-beta dehydrogenase 3; minus strand), SLC35D2-HSD17B3 (SLC35D2-HSD17B3 readthrough; minus strand). Cytogenetic location: 9q22.32.
Variant type: single nucleotide variant.
Coding change: c.194C>T on transcript NM_000197.1; coding-DNA position 194, C replaced by T.
Molecular consequence: missense variant (on NM_000197.2).
Genome position (GRCh38, 1-based): chr9:96,298,423, G>A on the plus strand (C>T on the coding strand, the complement: HSD17B3 is on the minus strand). VCF-style: chr9-96298423-G-A. GRCh37 (hg19) VCF-style: chr9-99060705-G-A.
Other names: c.194C>T, p.Ser65Leu (NM_000197.2); short protein forms S65L.
Identifiers: ClinVar variation 242504 (VCV000242504.7), dbSNP rs747329682, ClinGen allele CA351299.

ClinVar aggregate classification (germline): Pathogenic/Likely pathogenic. Review status: criteria provided, multiple submitters, no conflicts (2 of 4 stars). 3 submissions from 3 submitters: Pathogenic (2); Likely pathogenic (1). Last evaluated 2024-12-05.

Conditions:
Testosterone 17-beta-dehydrogenase deficiency. Also called: 17-beta hydroxysteroid dehydrogenase 3 deficiency; 17 alpha ketosteroid reductase deficiency of testis; 17 alpha KSR deficiency; Neutral 17 beta hydroxysteroid oxidoreductase deficiency; Male pseudoherma-phroditism with gynecomastia; 46,XY disorder of sex development due to 17-beta-hydroxysteroid dehydrogenase 3 deficiency. Identifiers: Orphanet 752, MedGen C0268296, MONDO:0009916, OMIM 264300. Disease mechanism: loss of function.

Allele frequency attached by ClinVar (database versions not stated): ExAC 0.00001; gnomAD exomes 0.00001.
gnomAD v4.1: 9 of 1,613,362 alleles (0.00056%); highest among the groups gnomAD compares: Non-Finnish European, 0.00059%; no homozygotes.

Submissions (3):

Women's Health and Genetics/Laboratory Corporation of America, LabCorp
Classification: Pathogenic for Testosterone 17-beta-dehydrogenase deficiency. Last evaluated: 2024-12-05. Review status: criteria provided, single submitter. Criteria: LabCorp Variant Classification Summary - May 2015. Collection method: clinical testing. Allele origin: germline.
Comment: Variant summary: HSD17B3 c.194C>T (p.Ser65Leu) results in a non-conservative amino acid change in the encoded protein sequence. Three of five in-silico tools predict a benign effect of the variant on protein function. The variant allele was found at a frequency of 1.2e-05 in 251432 control chromosomes (gnomAD). c.194C>T has been reported in the literature in multiple individuals affected with Testosterone 17-beta-dehydrogenase deficiency (e.g. Andersson_1996, Baxter_2015, Hughes_2019, Zhu_2022). These data indicate that the variant is very likely to be associated with disease. At least one publication reports experimental evidence evaluating an impact on protein function, finding that the variant inactivated enzyme activity almost completely (Andersson_1996). The following publications have been ascertained in the context of this evaluation (PMID: 8550739, 25383892, 30668521, 36154887). ClinVar contains an entry for this variant (Variation ID: 242504). Based on the evidence outlined above, the variant was classified as pathogenic.

Labcorp Genetics (formerly Invitae), Labcorp
Classification: Pathogenic. Last evaluated: 2024-11-28. Review status: criteria provided, single submitter. Criteria: Invitae Variant Classification Sherloc (09022015). Collection method: clinical testing. Allele origin: germline.
Comment: This sequence change replaces serine, which is neutral and polar, with leucine, which is neutral and non-polar, at codon 65 of the HSD17B3 protein (p.Ser65Leu). This variant is present in population databases (rs747329682, gnomAD no frequency). This missense change has been observed in individuals with clinical features of 17-beta-hydroxysteroid dehydrogenase type 3 deficiency (PMID: 8550739, 25326637, 30668521, 32449406, 36154887, 37741351). ClinVar contains an entry for this variant (Variation ID: 242504). Invitae Evidence Modeling of protein sequence and biophysical properties (such as structural, functional, and spatial information, amino acid conservation, physicochemical variation, residue mobility, and thermodynamic stability) indicates that this missense variant is not expected to disrupt HSD17B3 protein function with a negative predictive value of 80%. Experimental studies have shown that this missense change affects HSD17B3 function (PMID: 8550739, 37741351). For these reasons, this variant has been classified as Pathogenic.

Neuberg Centre For Genomic Medicine, NCGM
Classification: Likely pathogenic for Testosterone 17-beta-dehydrogenase deficiency. Review status: criteria provided, single submitter. Criteria: ACMG Guidelines, 2015. Collection method: clinical testing. Allele origin: germline. Inheritance: Autosomal recessive inheritance. Affected: yes.
Comment: The missense c.194C>T p.Ser65Leu variant in HSD17B3 gene has not been reported previously as a pathogenic variant nor as a benign variant, to our knowledge. The p.Ser65Leu variant has allele frequency 0.001% in gnomAD Exomes and is novel not in any individuals in 1000 Genomes. This variant has not been reported to the ClinVar database. The amino acid change p.Ser65Leu in HSD17B3 is predicted as conserved by GERP++ and PhyloP across 100 vertebrates. The amino acid Ser at position 65 is changed to a Leu changing protein sequence and it might alter its composition and physico-chemical properties. For these reasons, this variant has been classified as Variant of Uncertain Significance VUS.

Literature cited by the submitters: PubMed 30668521 (cited by Women's Health and Genetics/Laboratory Corporation of America, LabCorp and Labcorp Genetics (formerly Invitae), Labcorp); PubMed 36154887 (cited by Women's Health and Genetics/Laboratory Corporation of America, LabCorp and Labcorp Genetics (formerly Invitae), Labcorp); PubMed 8550739 (cited by Women's Health and Genetics/Laboratory Corporation of America, LabCorp and Labcorp Genetics (formerly Invitae), Labcorp); PubMed 25383892 (cited by Women's Health and Genetics/Laboratory Corporation of America, LabCorp); PubMed 25326637 (cited by Labcorp Genetics (formerly Invitae), Labcorp); PubMed 32449406 (cited by Labcorp Genetics (formerly Invitae), Labcorp); PubMed 37741351 (cited by Labcorp Genetics (formerly Invitae), Labcorp).